The following is an entry in ClinVar:

ClinVar aggregate classification (germline): Likely benign (1 of 4 stars; one submission).

Allele frequency attached by ClinVar (database versions not stated): ExAC 0.00088; gnomAD 0.10237.

Submission:

CeGaT Center for Human Genetics Tuebingen
Classification: Likely benign. Last evaluated: 2023-08-01. Review status: criteria provided, single submitter. Criteria: CeGaT Center For Human Genetics Tuebingen Variant Classification Criteria Version 2. Collection method: clinical testing. Allele origin: germline. Affected: yes. Observed: 1 variant allele.
Comment: GOLGA6L10: BS2; GOLGA6L18: BS2

NM_001164465.3(GOLGA6L10):c.638A>G (p.Glu213Gly)

Gene: GOLGA6L10 (golgin A6 family like 10; minus strand). Cytogenetic location: 15q25.2.
Variant type: single nucleotide variant.
Coding change: c.638A>G on transcript NM_001164465.3 (MANE Select); coding-DNA position 638, A replaced by G.
Protein change: p.Glu213Gly; replaces glutamic acid 213 with glycine.
Molecular consequence: missense variant.
Genome position (GRCh38, 1-based): chr15:82,345,222, T>C on the plus strand (A>G on the coding strand, the complement: GOLGA6L10 is on the minus strand). VCF-style: chr15-82345222-T-C. GRCh37 (hg19) VCF-style: chr15-82637448-T-C.
Other names: c.638A>G, p.Glu213Gly (NM_001322400.1); short protein forms E213G.
Identifiers: ClinVar variation 2645639 (VCV002645639.23), dbSNP rs201939081, ClinGen allele CA273446464.